The following is an entry in ClinVar:

NM_001849.4(COL6A2):c.2283C>T (p.Asp761=)

Gene: COL6A2 (collagen type VI alpha 2 chain; plus strand). Cytogenetic location: 21q22.3.
Variant type: single nucleotide variant.
Coding change: c.2283C>T on transcript NM_001849.4 (MANE Select); coding-DNA position 2283, C replaced by T.
Protein change: p.Asp761=; no amino-acid change (aspartic acid 761 retained).
Molecular consequence: synonymous variant.
Genome position (GRCh38, 1-based): chr21:46,126,098, C>T. VCF-style: chr21-46126098-C-T. GRCh37 (hg19) VCF-style: chr21-47546012-C-T.
Other names: c.2283C>T, p.Asp761= (NM_058174.3, NM_058175.3).
Identifiers: ClinVar variation 3898355 (VCV003898355.7).
Genomic context (GRCh38, chr21:46,126,098, plus strand): 5'-CCTCAACTTGCGGGCGCTGTGCGACCGCGACGTCACAGTGACGGCCATCGGCATCGGGGA[C>T]ATGTTCCACGAGAAGCACGAGAGTGAAAACCTCTACTCCATCGCCTGCGACAAGCCACAG-3'
Protein context (NP_001840.3, residues 751-771): DVTVTAIGIG[Asp761=]MFHEKHESEN

ClinVar aggregate classification (germline): Likely benign (1 of 4 stars; one submission).

gnomAD v4.1: 3 of 1,612,726 alleles (0.00019%); highest among the groups gnomAD compares: Non-Finnish European, 0.00017%; no homozygotes.

Submission:

CeGaT Center for Human Genetics Tuebingen
Classification: Likely benign. Last evaluated: 2025-04-01. Review status: criteria provided, single submitter. Criteria: CeGaT Center For Human Genetics Tuebingen Variant Classification Criteria Version 2. Collection method: clinical testing. Allele origin: germline. Affected: yes. Observed: 1 variant allele.
Comment: COL6A2: BP4, BP7